The following is an entry in ClinVar:

NM_000489.6(ATRX):c.3541G>C (p.Val1181Leu)

Gene: ATRX (ATRX chromatin remodeler; minus strand). Cytogenetic location: Xq21.1.
Variant type: single nucleotide variant.
Coding change: c.3541G>C on transcript NM_000489.6 (MANE Select); coding-DNA position 3541, G replaced by C.
Protein change: p.Val1181Leu; replaces valine 1181 with leucine.
Molecular consequence: missense variant.
Genome position (GRCh38, 1-based): chrX:77,681,715, C>G on the plus strand (G>C on the coding strand, the complement: ATRX is on the minus strand). VCF-style: chrX-77681715-C-G. GRCh37 (hg19) VCF-style: chrX-76937207-C-G.
Other names: c.3427G>C, p.Val1143Leu (NM_138270.5); short protein forms V1181L, V1143L.
Identifiers: ClinVar variation 133659 (VCV000133659.30), dbSNP rs61758732, ClinGen allele CA157240.

ClinVar aggregate classification (germline): Benign/Likely benign. Review status: criteria provided, multiple submitters, no conflicts (2 of 4 stars). 11 submissions from 11 submitters: Benign (4); Likely benign (1). 6 of the submissions do not count toward it. Last evaluated 2026-01-26.

Conditions:
ATRX-related disorder. Also called: ATRX-related condition.
Inborn genetic diseases. Identifiers: MedGen C0950123, MeSH D030342.
Alpha thalassemia-X-linked intellectual disability syndrome (ATRX). Also called: X-linked alpha-thalassemia-mental retardation syndrome; ALPHA-THALASSEMIA/MENTAL RETARDATION SYNDROME, X-LINKED; ATR, NONDELETION TYPE; ATR-X syndrome; Alpha thalassemia mental retardation syndrome, nondeletion type, X-linked; XLMR hypotonic face syndrome. Identifiers: Orphanet 847, MedGen C1845055, MONDO:0010519, OMIM 301040.

Allele frequency attached by ClinVar (database versions not stated): TOPMed 0.00058; 1000 Genomes Project 30x 0.00062; 1000 Genomes Project 0.00079; gnomAD exomes 0.00131 and 0.00149; gnomAD 0.00133 and 0.00137; ExAC 0.00154; ESP Exome Variant Server 0.00170.
gnomAD v4.1: 1,554 of 1,205,564 alleles (0.13%); highest among the groups gnomAD compares: Non-Finnish European, 0.11%; 3 homozygotes.

Submissions (11):

Labcorp Genetics (formerly Invitae), Labcorp
Classification: Benign for Alpha thalassemia-X-linked intellectual disability syndrome. Last evaluated: 2026-01-26. Review status: criteria provided, single submitter. Criteria: Invitae Variant Classification Sherloc (09022015). Collection method: clinical testing. Allele origin: germline.

Blueprint Genetics
Classification: Likely benign. Last evaluated: 2024-11-11. Review status: criteria provided, single submitter. Criteria: ACMG Guidelines, 2015. Collection method: clinical testing. Allele origin: germline.

GeneDx
Classification: Benign. Last evaluated: 2019-01-24. Review status: criteria provided, single submitter. Criteria: GeneDx Variant Classification Process June 2021. Collection method: clinical testing. Allele origin: germline. Affected: yes.

Athena Diagnostics
Classification: Benign. Last evaluated: 2017-07-13. Review status: criteria provided, single submitter. Criteria: Athena Diagnostics Criteria. Collection method: clinical testing. Allele origin: germline.

Ambry Genetics
Classification: Benign for Inborn genetic diseases. Last evaluated: 2016-11-22. Review status: criteria provided, single submitter. Criteria: Ambry Variant Classification Scheme 2023. Collection method: clinical testing. Allele origin: germline.

Natera, Inc.
Classification: Likely benign for X-linked alpha-thalassemia-mental retardation syndrome. Last evaluated: 2019-12-12. Review status: no assertion criteria provided. Collection method: clinical testing. Allele origin: germline. Not counted in ClinVar's aggregate classification.

PreventionGenetics, part of Exact Sciences
Classification: Likely benign for ATRX-related condition. Last evaluated: 2019-04-04. Review status: no assertion criteria provided. Collection method: clinical testing. Allele origin: germline. Not counted in ClinVar's aggregate classification.
Comment: This variant is classified as likely benign based on ACMG/AMP sequence variant interpretation guidelines (Richards et al. 2015 PMID: 25741868, with internal and published modifications).

ITMI
No classification provided. Condition: AllHighlyPenetrant. Last evaluated: 2013-09-19. Review status: no classification provided. Collection method: reference population. Allele origin: germline. Not counted in ClinVar's aggregate classification.
Comment: Please see associated publication for description of ethnicities

Clinical Genetics DNA and cytogenetics Diagnostics Lab, Erasmus MC, Erasmus Medical Center
Classification: Likely benign. Review status: no assertion criteria provided. Collection method: clinical testing. Allele origin: germline. Affected: yes. Study: VKGL Data-share Consensus. Not counted in ClinVar's aggregate classification.

Diagnostic Laboratory, Department of Genetics, University Medical Center Groningen
Classification: Likely benign. Review status: no assertion criteria provided. Collection method: clinical testing. Allele origin: germline. Affected: yes. Study: VKGL Data-share Consensus. Not counted in ClinVar's aggregate classification.

Laboratory of Diagnostic Genome Analysis, Leiden University Medical Center (LUMC)
Classification: Likely benign. Review status: no assertion criteria provided. Collection method: clinical testing. Allele origin: germline. Affected: yes. Study: VKGL Data-share Consensus. Not counted in ClinVar's aggregate classification.

Literature cited by the submitters: PubMed 24728327 (cited by ITMI).